The following is an entry in ClinVar:

ClinVar aggregate classification (germline): Uncertain significance (1 of 4 stars; one submission).

Allele frequency attached by ClinVar (database versions not stated): gnomAD exomes below 0.00001.
gnomAD v4.1: 5 of 1,613,604 alleles (0.00031%); highest among the groups gnomAD compares: Middle Eastern, 0.033%; no homozygotes.

Submission:

Labcorp Genetics (formerly Invitae), Labcorp
Classification: Uncertain significance. Last evaluated: 2025-03-09. Review status: criteria provided, single submitter. Criteria: Invitae Variant Classification Sherloc (09022015). Collection method: clinical testing. Allele origin: germline.
Comment: This sequence change replaces isoleucine, which is neutral and non-polar, with valine, which is neutral and non-polar, at codon 1417 of the SRCAP protein (p.Ile1417Val). This variant is not present in population databases (gnomAD no frequency). This variant has not been reported in the literature in individuals affected with SRCAP-related conditions. ClinVar contains an entry for this variant (Variation ID: 2702137). Invitae Evidence Modeling of protein sequence and biophysical properties (such as structural, functional, and spatial information, amino acid conservation, physicochemical variation, residue mobility, and thermodynamic stability) indicates that this missense variant is not expected to disrupt SRCAP protein function with a negative predictive value of 80%. In summary, the available evidence is currently insufficient to determine the role of this variant in disease. Therefore, it has been classified as a Variant of Uncertain Significance.

NM_006662.3(SRCAP):c.4249A>G (p.Ile1417Val)

Gene: SRCAP (Snf2 related CREBBP activator protein; plus strand). Cytogenetic location: 16p11.2.
Variant type: single nucleotide variant.
Coding change: c.4249A>G on transcript NM_006662.3 (MANE Select); coding-DNA position 4249, A replaced by G.
Protein change: p.Ile1417Val; replaces isoleucine 1417 with valine.
Molecular consequence: missense variant.
Genome position (GRCh38, 1-based): chr16:30,723,673, A>G. VCF-style: chr16-30723673-A-G. GRCh37 (hg19) VCF-style: chr16-30734994-A-G.
Other names: short protein forms I1417V.
Identifiers: ClinVar variation 2702137 (VCV002702137.3), dbSNP rs2506676925, ClinGen allele CA395615620.
Genomic context (GRCh38, chr16:30,723,673, plus strand): 5'-ATCTCTTCTCCTCTCCACGTGCCATCCTCCCTCCCTGGGCCAGCCTCTTCTCCAATGCCA[A>G]TTCCCAACTCCTCTCCCCTTGCTAGTCCTGTGTCCTCTACAGTCTCAGTTCCATTGTCAT-3'
Protein context (NP_006653.2, residues 1407-1427): LPGPASSPMP[Ile1417Val]PNSSPLASPV